The following is an entry in ClinVar:

NM_001099271.2(POC5):c.1436A>C (p.Gln479Pro)

Gene: POC5 (POC5 centriolar protein; minus strand). Cytogenetic location: 5q13.3.
Variant type: single nucleotide variant.
Coding change: c.1436A>C on transcript NM_001099271.2 (MANE Select); coding-DNA position 1436, A replaced by C.
Protein change: p.Gln479Pro; replaces glutamine 479 with proline.
Molecular consequence: missense variant.
Genome position (GRCh38, 1-based): chr5:75,677,922, T>G on the plus strand (A>C on the coding strand, the complement: POC5 is on the minus strand). VCF-style: chr5-75677922-T-G. GRCh37 (hg19) VCF-style: chr5-74973747-T-G.
Other names: c.1361A>C, p.Gln454Pro (NM_152408.3); short protein forms Q454P, Q479P.
Identifiers: ClinVar variation 2842482 (VCV002842482.3), dbSNP rs2112070713, ClinGen allele CA360143289.

ClinVar aggregate classification (germline): Uncertain significance (1 of 4 stars; one submission).

Submission:

Labcorp Genetics (formerly Invitae), Labcorp
Classification: Uncertain significance. Last evaluated: 2023-01-15. Review status: criteria provided, single submitter. Criteria: Invitae Variant Classification Sherloc (09022015). Collection method: clinical testing. Allele origin: germline.
Comment: Algorithms developed to predict the effect of missense changes on protein structure and function are either unavailable or do not agree on the potential impact of this missense change (SIFT: "Not Available"; PolyPhen-2: "Probably Damaging"; Align-GVGD: "Not Available"). This variant has not been reported in the literature in individuals affected with POC5-related conditions. This variant is not present in population databases (gnomAD no frequency). This sequence change replaces glutamine, which is neutral and polar, with proline, which is neutral and non-polar, at codon 479 of the POC5 protein (p.Gln479Pro). In summary, the available evidence is currently insufficient to determine the role of this variant in disease. Therefore, it has been classified as a Variant of Uncertain Significance.